The following is an entry in ClinVar:

NM_153717.3(EVC):c.2236C>T (p.Gln746Ter)

Gene: EVC (EvC ciliary complex subunit 1; plus strand). Cytogenetic location: 4p16.2.
Variant type: single nucleotide variant.
Coding change: c.2236C>T on transcript NM_153717.3 (MANE Select); coding-DNA position 2236, C replaced by T.
Protein change: p.Gln746Ter; replaces glutamine 746 with a stop codon.
Molecular consequence: nonsense.
Genome position (GRCh38, 1-based): chr4:5,798,724, C>T. VCF-style: chr4-5798724-C-T. GRCh37 (hg19) VCF-style: chr4-5800451-C-T.
Other names: c.2236C>T, p.Gln746Ter (NM_001306090.2); short protein forms Q746*.
Identifiers: ClinVar variation 530945 (VCV000530945.12), dbSNP rs1446547358, ClinGen allele CA356145434.
Genomic context (GRCh38, chr4:5,798,724, plus strand): 5'-CTGGCCGAGGCCCAGGAGGTGGGGCAGCTTCTGCAGCAGCACATGGAGTGCGCCATTGGG[C>T]AGGCGCTGCTGGTGCATGCACGGAATGCAGCCACCAAGAGCCGGGCCAAGGACAGGGATG-3'

ClinVar aggregate classification (germline): Pathogenic/Likely pathogenic. Review status: criteria provided, multiple submitters, no conflicts (2 of 4 stars). 3 submissions from 3 submitters: Pathogenic (1); Likely pathogenic (1). 1 of the submissions does not count toward it. Last evaluated 2024-09-04.

Conditions:
EVC-related disorder. Also called: EVC-related disorders; EVC-related condition.
Curry-Hall syndrome (WAD). Also called: WEYERS ACRODENTAL DYSOSTOSIS. Identifiers: Orphanet 952, MedGen C0457013, MONDO:0008673, OMIM 193530.
Ellis-van Creveld syndrome (EVC). Also called: MESOECTODERMAL DYSPLASIA; Chondroectodermal dysplasia. Identifiers: Orphanet 289, MedGen C0013903, MONDO:0009162, OMIM 225500.

Allele frequency attached by ClinVar (database versions not stated): gnomAD exomes below 0.00001 and 0.00001; gnomAD 0.00001; TOPMed 0.00001.
gnomAD v4.1: 13 of 1,610,818 alleles (0.00081%); highest among the groups gnomAD compares: Non-Finnish European, 0.00093%; no homozygotes.

Submissions (3):

Labcorp Genetics (formerly Invitae), Labcorp
Classification: Pathogenic for Curry-Hall syndrome; Ellis-van Creveld syndrome. Last evaluated: 2024-09-04. Review status: criteria provided, single submitter. Criteria: Invitae Variant Classification Sherloc (09022015). Collection method: clinical testing. Allele origin: germline.
Comment: This sequence change creates a premature translational stop signal (p.Gln746*) in the EVC gene. It is expected to result in an absent or disrupted protein product. Loss-of-function variants in EVC are known to be pathogenic (PMID: 23220543). This variant is present in population databases (no rsID available, gnomAD no frequency). This variant has not been reported in the literature in individuals affected with EVC-related conditions. ClinVar contains an entry for this variant (Variation ID: 530945). For these reasons, this variant has been classified as Pathogenic.

Fulgent Genetics
Classification: Likely pathogenic for Curry-Hall syndrome; Ellis-van Creveld syndrome. Last evaluated: 2024-04-24. Review status: criteria provided, single submitter. Criteria: ACMG Guidelines, 2015. Collection method: clinical testing. Allele origin: germline.

PreventionGenetics, part of Exact Sciences
Classification: Pathogenic for EVC-related condition. Last evaluated: 2024-09-27. Review status: no assertion criteria provided. Collection method: clinical testing. Allele origin: germline. Not counted in ClinVar's aggregate classification.
Comment: The EVC c.2236C>T variant is predicted to result in premature protein termination (p.Gln746*). To our knowledge, this variant has not been reported in the literature. It has been reported in the compound heterozygous state in two individuals tested at PreventionGenetics, with features consistent with autosomal recessive Ellis-van Creveld syndrome. This variant is reported in 13 heterozygous individuals in the v4 version of the gnomAD database. Nonsense variants in EVC are expected to be pathogenic. This variant is interpreted as pathogenic.

Literature cited by the submitters: PubMed 23220543 (cited by Labcorp Genetics (formerly Invitae), Labcorp).